The following is an entry in ClinVar:

ClinVar aggregate classification (germline): Likely benign. Review status: criteria provided, multiple submitters, no conflicts (2 of 4 stars). 3 submissions from 3 submitters: Likely benign (2). 1 of the submissions does not count toward it. Last evaluated 2024-12-09.

Conditions:
ADULT syndrome. Also called: ACRO-DERMATO-UNGUAL-LACRIMAL-TOOTH SYNDROME; Acro-dermato-ungual-lacrimal-tooth (adult) syndrome; Acro-Dermo-Ungual-Lacrimal-Tooth Syndrome (ADULT Syndrome). Identifiers: Orphanet 978, MedGen C1863204, MONDO:0007072, OMIM 103285.
Ankyloblepharon-ectodermal defects-cleft lip/palate syndrome. Also called: Hay-Wells syndrome of ectodermal dysplasia; AEC SYNDROME; HAY-WELLS SYNDROME; Ankyloblepharon-Ectodermal Defects-Cleft Lip/Palate Syndrome (AEC Syndrome); Ankyloblepharon-ectodermal defects, cleft lip/palate. Identifiers: Orphanet 1071, MedGen C0406709, MONDO:0007124, OMIM 106260.
Rapp-Hodgkin syndrome (RHS). Also called: ECTODERMAL DYSPLASIA, ANHIDROTIC, WITH CLEFT LIP/PALATE; Rapp-Hodgkin ectodermal dysplasia syndrome; Isolated Cleft Lip/Cleft Palate (Orofacial Cleft 8). Identifiers: MedGen C1785148, MONDO:0007508, OMIM 129400.
Split hand-foot malformation 4. Also called: Split-Hand/Foot Malformation Type 4 (SHFM4 syndrome); Split-Hand/Foot Malformation Type 4 (SHFM4). Identifiers: Orphanet 2440, MedGen C1854442, MONDO:0011535, OMIM 605289.
Ectrodactyly, ectodermal dysplasia, and cleft lip-palate syndrome 3. Also called: Ectrodactyly, Ectodermal Dysplasia, Clefting Syndrome; EEC SYNDROME 3; Ectrodactyly, Ectodermal Dysplasia, Clefting Syndrome Type 3 (EEC3); Ectrodactyly, Ectodermal Dysplasia, Cleft Lip/Palate Syndrome 3 (EEC3). Identifiers: Orphanet 1896, MedGen C1858562, MONDO:0011428, OMIM 604292.
Orofacial cleft 8. Also called: Cleft lip with or without cleft palate, nonsyndromic, 8. Identifiers: MedGen C1851878, MONDO:0029145, OMIM 618149.
Limb-mammary syndrome (LMS). Also called: Mammary hypoplasia, ectrodactyly, and other hand/foot anomalies. Identifiers: Orphanet 69085, MedGen C1863753, MONDO:0011334, OMIM 603543.
TP63-Related Spectrum Disorders.
TP63-related disorder. Also called: TP63-related condition; TP63-Related Disorders. Identifiers: MedGen CN380159.

Allele frequency attached by ClinVar (database versions not stated): TOPMed 0.00001; gnomAD exomes 0.00002; gnomAD 0.00001; ExAC 0.00001.
gnomAD v4.1: 24 of 1,613,894 alleles (0.0015%); highest among the groups gnomAD compares: Non-Finnish European, 0.0019%; no homozygotes.

Submissions (3):

Labcorp Genetics (formerly Invitae), Labcorp
Classification: Likely benign. Last evaluated: 2024-12-09. Review status: criteria provided, single submitter. Criteria: Invitae Variant Classification Sherloc (09022015). Collection method: clinical testing. Allele origin: germline.

Fulgent Genetics
Classification: Likely benign for ADULT syndrome; Ankyloblepharon-ectodermal defects-cleft lip/palate syndrome; Rapp-Hodgkin syndrome; Limb-mammary syndrome; Ectrodactyly, ectodermal dysplasia, and cleft lip-palate syndrome 3; Split hand-foot malformation 4; Orofacial cleft 8. Last evaluated: 2022-04-30. Review status: criteria provided, single submitter. Criteria: ACMG Guidelines, 2015. Collection method: clinical testing. Allele origin: unknown.

PreventionGenetics, part of Exact Sciences
Classification: Likely benign for TP63-related condition. Last evaluated: 2024-08-26. Review status: no assertion criteria provided. Collection method: clinical testing. Allele origin: germline. Not counted in ClinVar's aggregate classification.
Comment: This variant is classified as likely benign based on ACMG/AMP sequence variant interpretation guidelines (Richards et al. 2015 PMID: 25741868, with internal and published modifications).

NM_003722.5(TP63):c.156A>G (p.Pro52=)

Gene: TP63 (tumor protein p63; plus strand). Cytogenetic location: 3q28.
Variant type: single nucleotide variant.
Coding change: c.156A>G on transcript NM_003722.5 (MANE Select); coding-DNA position 156, A replaced by G.
Protein change: p.Pro52=; no amino-acid change (proline 52 retained).
Molecular consequence: synonymous variant.
Genome position (GRCh38, 1-based): chr3:189,737,833, A>G. VCF-style: chr3-189737833-A-G. GRCh37 (hg19) VCF-style: chr3-189455622-A-G.
Other names: c.156A>G, p.Pro52= (NM_001114978.2, NM_001114979.2, NM_001329144.2 and 1 more transcripts); c.150A>G, p.Pro50= (NM_001329964.2); c.156A>G (NM_003722.4).
Identifiers: ClinVar variation 1597542 (VCV001597542.9), dbSNP rs780898702, ClinGen allele CA2752035.
Genomic context (GRCh38, chr3:189,737,833, plus strand): 5'-AGAAAGTTATTACCGATCCACCATGTCCCAGAGCACACAGACAAATGAATTCCTCAGTCC[A>G]GAGGTTTTCCAGCATATCTGGGATTTTCTGGAACAGTAAGTATAAAACAAGCAAGAAATG-3'
Protein context (NP_003713.3, residues 42-62): QSTQTNEFLS[Pro52=]EVFQHIWDFL